The following is an entry in ClinVar:

ClinVar aggregate classification (germline): Pathogenic (1 of 4 stars; one submission).

Conditions:
Hereditary hemorrhagic telangiectasia (HHT). Also called: ORW DISEASE; Osler Weber Rendu syndrome; OSLER-RENDU-WEBER DISEASE; Osler hemorrhagic telangiectasia syndrome. Identifiers: Orphanet 774, MedGen C0039445, MONDO:0019180. Disease mechanism: loss of function.

Submission:

Labcorp Genetics (formerly Invitae), Labcorp
Classification: Pathogenic for Hereditary hemorrhagic telangiectasia. Last evaluated: 2025-09-23. Review status: criteria provided, single submitter. Criteria: Invitae Variant Classification Sherloc (09022015). Collection method: clinical testing. Allele origin: germline.
Comment: This sequence change creates a premature translational stop signal (p.Pro257Cysfs*100) in the ENG gene. It is expected to result in an absent or disrupted protein product. Loss-of-function variants in ENG are known to be pathogenic (PMID: 15879500). This variant is not present in population databases (gnomAD no frequency). This variant has not been reported in the literature in individuals affected with ENG-related conditions. For these reasons, this variant has been classified as Pathogenic.

Literature cited by the submitters: PubMed 15879500.

NM_001114753.3(ENG):c.768_774del (p.Pro257fs)

Gene: ENG (endoglin; minus strand). Cytogenetic location: 9q34.11.
Variant type: Deletion.
Coding change: c.768_774del on transcript NM_001114753.3 (MANE Select); coding-DNA positions 768 to 774, 7 bases deleted (CCCCTAC; older notation c.768_774delCCCCTAC).
Protein change: p.Pro257fs; shifts the reading frame from proline 257.
Molecular consequence: frameshift variant.
Genome position (GRCh38, 1-based): chr9:127,825,273-127,825,279, GTAGGGG deleted on the plus strand (CCCCTAC on the coding strand, the reverse complement: ENG is on the minus strand); deleting any 7 consecutive bases within chr9:127,825,273-127,825,280 gives the same sequence; the c. name uses the placement nearest the transcript's 3' end. VCF-style (leftmost placement, unchanged base first): chr9-127825272-CGTAGGGG-C. GRCh37 (hg19) VCF-style: chr9-130587551-CGTAGGGG-C.
Other names: c.768_774del, p.Pro257fs (NM_000118.4, NM_001406715.1); c.222_228del, p.Pro75fs (NM_001278138.2); short protein forms P75fs, P257fs.
Identifiers: ClinVar variation 4724858 (VCV004724858.1).
Genomic context (GRCh38, chr9:127,825,272, plus strand): 5'-GGAGCTGCGCACAACTCACCCAGATCTGCATGTTGTGGTTGGCGTCGATGAGCCAGGACA[CGTAGGGG>C]GGACCCTGCAGGATGAGGACGGCATCGAGATCCCCGGGTGCGCAGCTCAGTTCCACCTTC-3'